The following is an entry in ClinVar:

NM_000238.4(KCNH2):c.2774G>A (p.Gly925Glu)

Gene: KCNH2 (potassium voltage-gated channel subfamily H member 2; minus strand). Cytogenetic location: 7q36.1.
Variant type: single nucleotide variant.
Coding change: c.2774G>A on transcript NM_000238.4 (MANE Select); coding-DNA position 2774, G replaced by A.
Protein change: p.Gly925Glu; replaces glycine 925 with glutamic acid.
Molecular consequence: missense variant.
Genome position (GRCh38, 1-based): chr7:150,947,797, C>T on the plus strand (G>A on the coding strand, the complement: KCNH2 is on the minus strand). VCF-style: chr7-150947797-C-T. GRCh37 (hg19) VCF-style: chr7-150644885-C-T.
Other names: c.1754G>A, p.Gly585Glu (NM_172057.3); short protein forms G585E, G925E.
Identifiers: ClinVar variation 921867 (VCV000921867.16), dbSNP rs794728398, ClinGen allele CA369853428.

ClinVar aggregate classification (germline): Uncertain significance. Review status: criteria provided, multiple submitters, no conflicts (2 of 4 stars). 4 submissions from 4 submitters: Uncertain significance (4). Last evaluated 2024-03-14.

Conditions:
Long QT syndrome 2 (LQT2). Identifiers: Orphanet 101016, Orphanet 768, MedGen C3150943, MONDO:0013367, OMIM 613688.
Short QT syndrome type 1. Identifiers: Orphanet 51083, MedGen C1865020, MONDO:0012312, OMIM 609620.
Long QT syndrome (LQTS). Identifiers: MedGen C0023976, MeSH D008133, MONDO:0002442. Disease mechanism: loss of function. Inheritance: Various modes of inheritance.
Cardiac arrhythmia. Also called: Arrhythmia; Cardiac rhythm disease. Identifiers: MedGen C0003811, MONDO:0007263, HP:0011675.

Allele frequency attached by ClinVar (database versions not stated): TOPMed 0.00002.
gnomAD v4.1: 15 of 1,532,872 alleles (0.00098%); highest among the groups gnomAD compares: East Asian, 0.0025%; no homozygotes.

Submissions (4):

All of Us Research Program, National Institutes of Health
Classification: Uncertain significance for Long QT syndrome. Last evaluated: 2024-03-14. Review status: criteria provided, single submitter. Criteria: ACMG Guidelines, 2015. Collection method: clinical testing. Allele origin: germline. Inheritance: Autosomal dominant inheritance. Observed: 3 variant alleles, 3 heterozygotes.
Comment: This missense variant replaces glycine with glutamic acid at codon 925 of the KCNH2 protein. Computational prediction tools and conservation analyses are inconclusive regarding the impact of this variant on the protein function. Computational splicing tools suggest that this variant may not impact RNA splicing. To our knowledge, functional assays have not been performed for this variant nor has this variant been reported in individuals affected with cardiovascular disorders in the literature. This variant has been identified in 4/128904 chromosomes in the general population by the Genome Aggregation Database (gnomAD). Available evidence is insufficient to determine the role of this variant in disease conclusively. Therefore, this variant is classified as a Variant of Uncertain Significance.

This study involves interpretation of variants in research participants for the purpose of population health screening. Participant phenotype was not available at the time of variant classification. Additional details can be found in publication PMID: 35346344, PMCID: PMC8962531

Color Diagnostics, LLC DBA Color Health
Classification: Uncertain significance for Cardiac arrhythmia. Last evaluated: 2024-03-06. Review status: criteria provided, single submitter. Criteria: ACMG Guidelines, 2015. Collection method: clinical testing. Allele origin: germline.
Comment: This missense variant replaces glycine with glutamic acid at codon 925 of the KCNH2 protein. Computational prediction suggests that this variant may not impact protein structure and function (internally defined REVEL score threshold <= 0.5, PMID: 27666373). To our knowledge, functional studies have not been reported for this variant. This variant has not been reported in individuals affected with KCNH2-related disorders in the literature. This variant has been identified in 4/128904 chromosomes in the general population by the Genome Aggregation Database (gnomAD). The available evidence is insufficient to determine the role of this variant in disease conclusively. Therefore, this variant is classified as a Variant of Uncertain Significance.

Labcorp Genetics (formerly Invitae), Labcorp
Classification: Uncertain significance for Long QT syndrome. Last evaluated: 2022-04-11. Review status: criteria provided, single submitter. Criteria: Invitae Variant Classification Sherloc (09022015). Collection method: clinical testing. Allele origin: germline.
Comment: This sequence change replaces glycine, which is neutral and non-polar, with glutamic acid, which is acidic and polar, at codon 925 of the KCNH2 protein (p.Gly925Glu). The frequency data for this variant in the population databases is considered unreliable, as metrics indicate poor data quality at this position in the gnomAD database. This variant has not been reported in the literature in individuals affected with KCNH2-related conditions. ClinVar contains an entry for this variant (Variation ID: 921867). Algorithms developed to predict the effect of missense changes on protein structure and function (SIFT, PolyPhen-2, Align-GVGD) all suggest that this variant is likely to be tolerated. In summary, the available evidence is currently insufficient to determine the role of this variant in disease. Therefore, it has been classified as a Variant of Uncertain Significance.

Fulgent Genetics
Classification: Uncertain significance for Short QT syndrome type 1; Long QT syndrome 2. Last evaluated: 2021-08-13. Review status: criteria provided, single submitter. Criteria: ACMG Guidelines, 2015. Collection method: clinical testing. Allele origin: unknown.